The following is an entry in ClinVar:

NM_000466.3(PEX1):c.3196A>C (p.Ser1066Arg)

Genes: PEX1 (peroxisomal biogenesis factor 1; minus strand), GATAD1 (GATA zinc finger domain containing 1; plus strand). Cytogenetic location: 7q21.2.
Variant type: single nucleotide variant.
Coding change: c.3196A>C on transcript NM_000466.3 (MANE Select); coding-DNA position 3196, A replaced by C.
Protein change: p.Ser1066Arg; replaces serine 1066 with arginine.
Molecular consequence: missense variant.
Genome position (GRCh38, 1-based): chr7:92,492,964, T>G on the plus strand (A>C on the coding strand, the complement: PEX1 is on the minus strand). VCF-style: chr7-92492964-T-G. GRCh37 (hg19) VCF-style: chr7-92122278-T-G.
Other names: c.3025A>C, p.Ser1009Arg (NM_001282677.2); c.2572A>C, p.Ser858Arg (NM_001282678.2); short protein forms S1009R, S1066R, S858R.
Identifiers: ClinVar variation 939850 (VCV000939850.8), dbSNP rs1791427153, ClinGen allele CA368165881.
Genomic context (GRCh38, chr7:92,492,964, plus strand): 5'-TTCTTTTATCACTCATAAAATGTCATAACAACTTCCTCATATAACTTGCCTGGAGTCCAC[T>G]CGAGAGCAGCATTCCATGTAAGGCCTCCAATTGGGCATTGTAAAGTAAAGCTTTCAGATC-3'
Protein context (NP_000457.1, residues 1056-1076): LEALHGMLLS[Ser1066Arg]GLQDGSSSSD

ClinVar aggregate classification (germline): Uncertain significance (1 of 4 stars; one submission).

Conditions:
Zellweger spectrum disorders (ZS). Also called: Zellweger syndrome; Zellweger Spectrum Disorder; Zellweger Spectrum; Zellweger Spectrum Disorder (ZSD). Identifiers: Orphanet 912, MedGen C0043459, MONDO:0019609.

Allele frequency attached by ClinVar (database versions not stated): gnomAD exomes below 0.00001; TOPMed below 0.00001.
gnomAD v4.1: 1 of 1,613,404 alleles (0.000062%); highest among the groups gnomAD compares: African/African-American, 0.0013%; no homozygotes.

Submission:

Labcorp Genetics (formerly Invitae), Labcorp
Classification: Uncertain significance for Zellweger spectrum disorders. Last evaluated: 2022-11-29. Review status: criteria provided, single submitter. Criteria: Invitae Variant Classification Sherloc (09022015). Collection method: clinical testing. Allele origin: germline.
Comment: Advanced modeling of protein sequence and biophysical properties (such as structural, functional, and spatial information, amino acid conservation, physicochemical variation, residue mobility, and thermodynamic stability) performed at Invitae indicates that this missense variant is not expected to disrupt PEX1 protein function. In summary, the available evidence is currently insufficient to determine the role of this variant in disease. Therefore, it has been classified as a Variant of Uncertain Significance. ClinVar contains an entry for this variant (Variation ID: 939850). This variant has not been reported in the literature in individuals affected with PEX1-related conditions. This variant is not present in population databases (gnomAD no frequency). This sequence change replaces serine, which is neutral and polar, with arginine, which is basic and polar, at codon 1066 of the PEX1 protein (p.Ser1066Arg).